The following is an entry in ClinVar:

ClinVar aggregate classification (germline): Uncertain significance (1 of 4 stars; one submission).

gnomAD v4.1: 1 of 1,614,078 alleles (0.000062%); highest among the groups gnomAD compares: Non-Finnish European, 0.000085%; no homozygotes.

Submission:

Labcorp Genetics (formerly Invitae), Labcorp
Classification: Uncertain significance. Last evaluated: 2025-05-03. Review status: criteria provided, single submitter. Criteria: Invitae Variant Classification Sherloc (09022015). Collection method: clinical testing. Allele origin: germline.
Comment: This sequence change replaces glycine, which is neutral and non-polar, with glutamic acid, which is acidic and polar, at codon 2796 of the KMT2A protein (p.Gly2796Glu). This variant is not present in population databases (gnomAD no frequency). This variant has not been reported in the literature in individuals affected with KMT2A-related conditions. ClinVar contains an entry for this variant (Variation ID: 3710836). Invitae Evidence Modeling of protein sequence and biophysical properties (such as structural, functional, and spatial information, amino acid conservation, physicochemical variation, residue mobility, and thermodynamic stability) indicates that this missense variant is not expected to disrupt KMT2A protein function with a negative predictive value of 95%. In summary, the available evidence is currently insufficient to determine the role of this variant in disease. Therefore, it has been classified as a Variant of Uncertain Significance.

NM_001197104.2(KMT2A):c.8387G>A (p.Gly2796Glu)

Gene: KMT2A (lysine methyltransferase 2A; plus strand). Cytogenetic location: 11q23.3.
Variant type: single nucleotide variant.
Coding change: c.8387G>A on transcript NM_001197104.2 (MANE Select); coding-DNA position 8387, G replaced by A.
Protein change: p.Gly2796Glu; replaces glycine 2796 with glutamic acid.
Molecular consequence: missense variant.
Genome position (GRCh38, 1-based): chr11:118,504,279, G>A. VCF-style: chr11-118504279-G-A. GRCh37 (hg19) VCF-style: chr11-118374994-G-A.
Other names: c.8477G>A, p.Gly2826Glu (NM_001412597.1); c.8378G>A, p.Gly2793Glu (NM_005933.4); short protein forms G2793E, G2796E, G2826E.
Identifiers: ClinVar variation 3710836 (VCV003710836.2).